The following is an entry in ClinVar:

NM_006389.5(HYOU1):c.262A>G (p.Met88Val)

Gene: HYOU1 (hypoxia up-regulated 1; minus strand). Cytogenetic location: 11q23.3.
Variant type: single nucleotide variant.
Coding change: c.262A>G on transcript NM_006389.5 (MANE Select); coding-DNA position 262, A replaced by G.
Protein change: p.Met88Val; replaces methionine 88 with valine.
Molecular consequence: missense variant.
Genome position (GRCh38, 1-based): chr11:119,055,495, T>C on the plus strand (A>G on the coding strand, the complement: HYOU1 is on the minus strand). VCF-style: chr11-119055495-T-C. GRCh37 (hg19) VCF-style: chr11-118926207-T-C.
Other names: c.262A>G, p.Met88Val (NM_001130991.3, NM_001411041.1); short protein forms M88V.
Identifiers: ClinVar variation 3615440 (VCV003615440.2).

ClinVar aggregate classification (germline): Uncertain significance (1 of 4 stars; one submission).

gnomAD v4.1: 10 of 1,613,894 alleles (0.00062%); highest among the groups gnomAD compares: African/African-American, 0.0013%; no homozygotes.

Submission:

Labcorp Genetics (formerly Invitae), Labcorp
Classification: Uncertain significance. Last evaluated: 2025-04-24. Review status: criteria provided, single submitter. Criteria: Invitae Variant Classification Sherloc (09022015). Collection method: clinical testing. Allele origin: germline.
Comment: This sequence change replaces methionine, which is neutral and non-polar, with valine, which is neutral and non-polar, at codon 88 of the HYOU1 protein (p.Met88Val). This variant is not present in population databases (gnomAD no frequency). This variant has not been reported in the literature in individuals affected with HYOU1-related conditions. ClinVar contains an entry for this variant (Variation ID: 3615440). An algorithm developed to predict the effect of missense changes on protein structure and function (PolyPhen-2) suggests that this variant is likely to be tolerated. In summary, the available evidence is currently insufficient to determine the role of this variant in disease. Therefore, it has been classified as a Variant of Uncertain Significance.